The following is an entry in ClinVar:

ClinVar aggregate classification (germline): Uncertain significance. Review status: criteria provided, multiple submitters, no conflicts (2 of 4 stars). 2 submissions from 2 submitters: Uncertain significance (2). Last evaluated 2021-07-14.

Conditions:
Hereditary cancer-predisposing syndrome. Also called: Tumor predisposition; Hereditary Cancer Syndrome; Neoplastic Syndromes, Hereditary; Hereditary neoplastic syndrome. Identifiers: Orphanet 140162, MedGen C0027672, MeSH D009386, MONDO:0015356.
Familial cancer of breast. Also called: BREAST CANCER, FAMILIAL; hereditary breast carcinoma; Hereditary breast cancer. Identifiers: Orphanet 227535, MedGen C0346153, MONDO:0016419, OMIM 114480. Disease mechanism: loss of function.

Submissions (2):

Labcorp Genetics (formerly Invitae), Labcorp
Classification: Uncertain significance for Familial cancer of breast. Last evaluated: 2021-07-14. Review status: criteria provided, single submitter. Criteria: Invitae Variant Classification Sherloc (09022015). Collection method: clinical testing. Allele origin: germline.
Comment: Algorithms developed to predict the effect of missense changes on protein structure and function output the following: SIFT: "Tolerated"; PolyPhen-2: "Benign"; Align-GVGD: "Class C0". The valine amino acid residue is found in multiple mammalian species, which suggests that this missense change does not adversely affect protein function. This sequence change replaces alanine with valine at codon 770 of the PALB2 protein (p.Ala770Val). The alanine residue is weakly conserved and there is a small physicochemical difference between alanine and valine. This variant is not present in population databases (ExAC no frequency). This variant has not been reported in the literature in individuals affected with PALB2-related conditions. In summary, the available evidence is currently insufficient to determine the role of this variant in disease. Therefore, it has been classified as a Variant of Uncertain Significance.

Color Diagnostics, LLC DBA Color Health
Classification: Uncertain significance for Hereditary cancer-predisposing syndrome. Last evaluated: 2021-06-03. Review status: criteria provided, single submitter. Criteria: ACMG Guidelines, 2015. Collection method: clinical testing. Allele origin: germline.
Comment: This missense variant replaces alanine with valine at codon 770 of the PALB2 protein. Computational prediction suggests that this variant may not impact protein structure and function (internally defined REVEL score threshold <= 0.5, PMID: 27666373). To our knowledge, functional studies have not been reported for this variant. This variant has not been reported in individuals affected with hereditary cancer in the literature. This variant has not been identified in the general population by the Genome Aggregation Database (gnomAD). The available evidence is insufficient to determine the role of this variant in disease conclusively. Therefore, this variant is classified as a Variant of Uncertain Significance.

NM_024675.4(PALB2):c.2309C>T (p.Ala770Val)

Gene: PALB2 (partner and localizer of BRCA2; minus strand). Cytogenetic location: 16p12.2.
Variant type: single nucleotide variant.
Coding change: c.2309C>T on transcript NM_024675.4 (MANE Select); coding-DNA position 2309, C replaced by T.
Protein change: p.Ala770Val; replaces alanine 770 with valine.
Molecular consequence: missense variant.
Genome position (GRCh38, 1-based): chr16:23,629,845, G>A on the plus strand (C>T on the coding strand, the complement: PALB2 is on the minus strand). VCF-style: chr16-23629845-G-A. GRCh37 (hg19) VCF-style: chr16-23641166-G-A.
Other names: short protein forms A770V.
Identifiers: ClinVar variation 1332596 (VCV001332596.11), dbSNP rs2142375912, ClinGen allele CA395125217.